The following is an entry in ClinVar:

ClinVar aggregate classification (germline): Uncertain significance. Review status: criteria provided, multiple submitters, no conflicts (2 of 4 stars). 2 submissions from 2 submitters: Uncertain significance (2). Last evaluated 2025-06-28.

Conditions:
Hereditary cancer-predisposing syndrome. Also called: Neoplastic Syndromes, Hereditary; Tumor predisposition; Hereditary Cancer Syndrome; Hereditary neoplastic syndrome. Identifiers: Orphanet 140162, MedGen C0027672, MeSH D009386, MONDO:0015356.
Renal cell carcinoma. Identifiers: Orphanet 217071, MedGen C0007134, MeSH D002292, MONDO:0005086, HP:0005584.

Submissions (2):

Ambry Genetics
Classification: Uncertain significance for Hereditary cancer-predisposing syndrome. Last evaluated: 2025-06-28. Review status: criteria provided, single submitter. Criteria: Ambry Variant Classification Scheme 2023. Collection method: clinical testing. Allele origin: germline.
Comment: The p.L876R variant (also known as c.2627T>G), located in coding exon 10 of the MET gene, results from a T to G substitution at nucleotide position 2627. The leucine at codon 876 is replaced by arginine, an amino acid with dissimilar properties. This amino acid position is conserved. In addition, the in silico prediction for this alteration is inconclusive. Based on the available evidence, the clinical significance of this variant remains unclear.

Labcorp Genetics (formerly Invitae), Labcorp
Classification: Uncertain significance for Renal cell carcinoma. Last evaluated: 2024-02-26. Review status: criteria provided, single submitter. Criteria: Invitae Variant Classification Sherloc (09022015). Collection method: clinical testing. Allele origin: germline.
Comment: This sequence change replaces leucine, which is neutral and non-polar, with arginine, which is basic and polar, at codon 876 of the MET protein (p.Leu876Arg). This variant is not present in population databases (gnomAD no frequency). This variant has not been reported in the literature in individuals affected with MET-related conditions. ClinVar contains an entry for this variant (Variation ID: 1001080). Advanced modeling of protein sequence and biophysical properties (such as structural, functional, and spatial information, amino acid conservation, physicochemical variation, residue mobility, and thermodynamic stability) performed at Invitae indicates that this missense variant is expected to disrupt MET protein function with a positive predictive value of 80%. In summary, the available evidence is currently insufficient to determine the role of this variant in disease. Therefore, it has been classified as a Variant of Uncertain Significance.

NM_000245.4(MET):c.2573T>G (p.Leu858Arg)

Gene: MET (MET proto-oncogene, receptor tyrosine kinase; plus strand). Cytogenetic location: 7q31.2.
Variant type: single nucleotide variant.
Coding change: c.2573T>G on transcript NM_000245.4 (MANE Select); coding-DNA position 2573, T replaced by G.
Protein change: p.Leu858Arg; replaces leucine 858 with arginine.
Molecular consequence: missense variant.
Genome position (GRCh38, 1-based): chr7:116,763,258, T>G. VCF-style: chr7-116763258-T-G. GRCh37 (hg19) VCF-style: chr7-116403312-T-G.
Other names: c.2627T>G, p.Leu876Arg (NM_001127500.3); c.2573T>G, p.Leu858Arg (NM_001324401.3); c.1283T>G, p.Leu428Arg (NM_001324402.2); c.2627T>G (NM_001127500.1); short protein forms L428R, L858R, L876R.
Identifiers: ClinVar variation 1001080 (VCV001001080.9), dbSNP rs1794474295, ClinGen allele CA368983694.